The following is an entry in ClinVar:

ClinVar aggregate classification (germline): Likely pathogenic. Review status: criteria provided, single submitter (1 of 4 stars). 2 submissions from 2 submitters: Likely pathogenic (1). 1 of the submissions does not count toward it. Last evaluated 2022-11-24.

Conditions:
Developmental and epileptic encephalopathy, 78. Also called: EPILEPTIC ENCEPHALOPATHY, EARLY INFANTILE, 78. Identifiers: MedGen C5231409, MONDO:0032812, OMIM 618557.

Submissions (2):

Labcorp Genetics (formerly Invitae), Labcorp
Classification: Likely pathogenic. Last evaluated: 2022-11-24. Review status: criteria provided, single submitter. Criteria: Invitae Variant Classification Sherloc (09022015). Collection method: clinical testing. Allele origin: germline.
Comment: This sequence change replaces threonine, which is neutral and polar, with lysine, which is basic and polar, at codon 292 of the GABRA2 protein (p.Thr292Lys). In summary, the currently available evidence indicates that the variant is pathogenic, but additional data are needed to prove that conclusively. Therefore, this variant has been classified as Likely Pathogenic. Experimental studies have shown that this missense change affects GABRA2 function (PMID: 29961870). Algorithms developed to predict the effect of missense changes on protein structure and function are either unavailable or do not agree on the potential impact of this missense change (SIFT: "Not Available"; PolyPhen-2: "Probably Damaging"; Align-GVGD: "Not Available"). ClinVar contains an entry for this variant (Variation ID: 689387). This missense change has been observed in individual(s) with clinical features of developmental and epileptic encephalopathy (PMID: 29961870). In at least one individual the variant was observed to be de novo. This variant is not present in population databases (gnomAD no frequency).

OMIM
Classification: Pathogenic for DEVELOPMENTAL AND EPILEPTIC ENCEPHALOPATHY 78. Last evaluated: 2020-11-25. Review status: no assertion criteria provided. Collection method: literature only. Allele origin: germline. Not counted in ClinVar's aggregate classification.

Literature cited by the submitters: PubMed 29961870 (cited by Labcorp Genetics (formerly Invitae), Labcorp and OMIM).

NM_000807.4(GABRA2):c.875C>A (p.Thr292Lys)

Gene: GABRA2 (gamma-aminobutyric acid type A receptor subunit alpha2; minus strand). Cytogenetic location: 4p12.
Variant type: single nucleotide variant.
Coding change: c.875C>A on transcript NM_000807.4 (MANE Select); coding-DNA position 875, C replaced by A.
Protein change: p.Thr292Lys; replaces threonine 292 with lysine.
Molecular consequence: missense variant.
Genome position (GRCh38, 1-based): chr4:46,262,110, G>T on the plus strand (C>A on the coding strand, the complement: GABRA2 is on the minus strand). VCF-style: chr4-46262110-G-T. GRCh37 (hg19) VCF-style: chr4-46264127-G-T.
Other names: c.875C>A, p.Thr292Lys (NM_001114175.3, NM_001330690.2, NM_001377144.1 and 8 more transcripts); c.710C>A, p.Thr237Lys (NM_001286827.3, NM_001377152.1, NM_001377153.1 and 1 more transcripts); short protein forms T292K, T237K.
Identifiers: ClinVar variation 689387 (VCV000689387.6), dbSNP rs1577800481, ClinGen allele CA356804522.